The following is an entry in ClinVar:

ClinVar aggregate classification (germline): Benign/Likely benign. Review status: criteria provided, multiple submitters, no conflicts (2 of 4 stars). 3 submissions from 3 submitters: Benign (1); Likely benign (2). Last evaluated 2026-01-24.

Allele frequency attached by ClinVar (database versions not stated): gnomAD 0.00017 and 0.00018; gnomAD exomes 0.00030; ExAC 0.00033.
gnomAD v4.1: 229 of 1,584,992 alleles (0.014%); highest among the groups gnomAD compares: East Asian, 0.42%; 1 homozygote.

Submissions (6):

Labcorp Genetics (formerly Invitae), Labcorp
Classification: Benign. Last evaluated: 2026-01-24. Review status: criteria provided, single submitter. Criteria: Invitae Variant Classification Sherloc (09022015). Collection method: clinical testing. Allele origin: germline.

Women's Health and Genetics/Laboratory Corporation of America, LabCorp
Classification: Likely benign. Last evaluated: 2025-11-10. Review status: criteria provided, single submitter. Criteria: LabCorp Variant Classification Summary - May 2015. Collection method: clinical testing. Allele origin: germline.
Comment: Variant summary: PSMG2 c.489-16T>A alters a nucleotide located at a position not widely known to affect splicing. Consensus agreement among computation tools predict no significant impact on normal splicing. However, these predictions have yet to be confirmed by functional studies. The variant allele was found at a frequency of 0.0003 in 222102 control chromosomes. This frequency is not significantly higher than estimated for disease-causing variants in PSMG2, allowing no conclusion about variant significance. To our knowledge, no occurrence of c.489-16T>A in individuals affected with PSMG2-related conditions and no experimental evidence demonstrating its impact on protein function have been reported. ClinVar contains an entry for this variant (Variation ID: 1164159). Based on the evidence outlined above, the variant was classified as likely benign.

Blueprint Genetics
Classification: Likely benign. Last evaluated: 2024-11-27. Review status: criteria provided, single submitter. Criteria: ACMG Guidelines, 2015. Collection method: clinical testing. Allele origin: germline.

Dr. Peter K. Rogan Lab, Western University
No classification provided (evidence only). Condition: Malignant lymphoma, large B-cell, diffuse. Review status: no classification provided. Collection method: in vitro. Allele origin: not applicable. Functional consequence: retained intron. Not counted in ClinVar's aggregate classification.

Dr. Peter K. Rogan Lab, Western University
No classification provided (evidence only). Condition: Thymoma. Review status: no classification provided. Collection method: in vitro. Allele origin: not applicable. Functional consequence: retained intron. Not counted in ClinVar's aggregate classification.

Dr. Peter K. Rogan Lab, Western University
No classification provided (evidence only). Condition: Gastric cancer. Review status: no classification provided. Collection method: in vitro. Allele origin: not applicable. Functional consequence: retained intron. Not counted in ClinVar's aggregate classification.

NM_020232.5(PSMG2):c.582-16T>A

Gene: PSMG2 (proteasome assembly chaperone 2; plus strand). Cytogenetic location: 18p11.21.
Variant type: single nucleotide variant.
Coding change: c.582-16T>A on transcript NM_020232.5 (MANE Select); 16 bases into the intron before coding-DNA position 582, T replaced by A.
Molecular consequence: intron variant.
Genome position (GRCh38, 1-based): chr18:12,724,483, T>A. VCF-style: chr18-12724483-T-A. GRCh37 (hg19) VCF-style: chr18-12724482-T-A.
Other names: c.489-16T>A (NM_147163.2).
Identifiers: ClinVar variation 1164159 (VCV001164159.12), dbSNP rs199868112, ClinGen allele CA8898455.